The following is an entry in ClinVar:

NM_032588.4(TRIM63):c.338C>T (p.Pro113Leu)

Gene: TRIM63 (tripartite motif containing 63; minus strand). Cytogenetic location: 1p36.11.
Variant type: single nucleotide variant.
Coding change: c.338C>T on transcript NM_032588.4 (MANE Select); coding-DNA position 338, C replaced by T.
Protein change: p.Pro113Leu; replaces proline 113 with leucine.
Molecular consequence: missense variant.
Genome position (GRCh38, 1-based): chr1:26,061,329, G>A on the plus strand (C>T on the coding strand, the complement: TRIM63 is on the minus strand). VCF-style: chr1-26061329-G-A. GRCh37 (hg19) VCF-style: chr1-26387820-G-A.
Other names: p.Pro113Leu; short protein forms P113L.
Identifiers: ClinVar variation 2353439 (VCV002353439.7), dbSNP rs199936688, ClinGen allele CA699694.
Genomic context (GRCh38, chr1:26,061,329, plus strand): 5'-TAGATGTTGATTTTCTCATCTTCGTGCTCCTTGCACATGGGGTGACTGCCCTTCTGCAGC[G>A]GCCGACTGCAGTGGAGAACAGTCACAAGTCATGGGGGTCCTGTGTCCCTGCATCCCCCTC-3'
Protein context (NP_115977.2, residues 103-123): DIYKQECSSR[Pro113Leu]LQKGSHPMCK

ClinVar aggregate classification (germline): Uncertain significance. Review status: criteria provided, multiple submitters, no conflicts (2 of 4 stars). 4 submissions from 4 submitters: Uncertain significance (4). Last evaluated 2026-08-31.

Conditions:
Inborn genetic diseases. Identifiers: MedGen C0950123, MeSH D030342.
TRIM63-related disorder. Also called: TRIM63-related condition.

Allele frequency attached by ClinVar (database versions not stated): ExAC 0.00014; gnomAD 0.00021; ESP Exome Variant Server 0.00038.

Submissions (4):

PreventionGenetics, part of Exact Sciences
Classification: Uncertain significance for TRIM63-related condition. Last evaluated: 2026-08-31. Review status: criteria provided, single submitter. Criteria: ACMG Guidelines, 2015. Collection method: clinical testing. Allele origin: germline.
Comment: The TRIM63 c.338C>T variant is predicted to result in the amino acid substitution p.Pro113Leu. To our knowledge, this variant has not been reported in the literature. This variant is reported in 0.034% of alleles in individuals of Latino descent in gnomAD. At this time, the clinical significance of this variant is uncertain due to the absence of conclusive functional and genetic evidence.

Mayo Clinic Laboratories, Mayo Clinic
Classification: Uncertain significance. Last evaluated: 2025-10-21. Review status: criteria provided, single submitter. Criteria: ACMG Guidelines, 2015. Collection method: clinical testing. Allele origin: germline. Observed: 4 variant alleles.
Comment: BP4

Women's Health and Genetics/Laboratory Corporation of America, LabCorp
Classification: Uncertain significance. Last evaluated: 2024-12-20. Review status: criteria provided, single submitter. Criteria: LabCorp Variant Classification Summary - May 2015. Collection method: clinical testing. Allele origin: germline.

Ambry Genetics
Classification: Uncertain significance for Inborn genetic diseases. Last evaluated: 2024-11-07. Review status: criteria provided, single submitter. Criteria: Ambry Variant Classification Scheme 2023. Collection method: clinical testing. Allele origin: germline.